The following is an entry in ClinVar:

ClinVar aggregate classification (germline): Likely benign. Review status: criteria provided, multiple submitters, no conflicts (2 of 4 stars). 2 submissions from 2 submitters: Likely benign (2). Last evaluated 2025-03-31.

Conditions:
Woodhouse-Sakati syndrome. Also called: Hypogonadism, Alopecia, Diabetes Mellitus, Mental Retardation, and Extrapyramidal Syndrome; Hypogonadism, diabetes mellitus, alopecia, mental retardation and electrocardiographic abnormalities; EXTRAPYRAMIDAL DISORDER, PROGRESSIVE, WITH PRIMARY HYPOGONADISM, MENTAL RETARDATION, AND ALOPECIA. Identifiers: Orphanet 3464, MedGen C0342286, MONDO:0009419, OMIM 241080.

Allele frequency attached by ClinVar (database versions not stated): TOPMed below 0.00001; gnomAD 0.00001; gnomAD exomes 0.00001.
gnomAD v4.1: 10 of 1,613,602 alleles (0.00062%); highest among the groups gnomAD compares: Non-Finnish European, 0.00085%; no homozygotes.

Submissions (2):

Labcorp Genetics (formerly Invitae), Labcorp
Classification: Likely benign for Woodhouse-Sakati syndrome. Last evaluated: 2025-03-31. Review status: criteria provided, single submitter. Criteria: Invitae Variant Classification Sherloc (09022015). Collection method: clinical testing. Allele origin: germline.

CeGaT Center for Human Genetics Tuebingen
Classification: Likely benign. Last evaluated: 2023-05-01. Review status: criteria provided, single submitter. Criteria: CeGaT Center For Human Genetics Tuebingen Variant Classification Criteria Version 2. Collection method: clinical testing. Allele origin: germline. Affected: yes. Observed: 1 variant allele.
Comment: DCAF17: BP4, BP7

NM_025000.4(DCAF17):c.174T>C (p.Pro58=)

Gene: DCAF17 (DDB1 and CUL4 associated factor 17; plus strand). Cytogenetic location: 2q31.1.
Variant type: single nucleotide variant.
Coding change: c.174T>C on transcript NM_025000.4 (MANE Select); coding-DNA position 174, T replaced by C.
Protein change: p.Pro58=; no amino-acid change (proline 58 retained).
Molecular consequence: synonymous variant. On other transcripts: non-coding transcript variant (1).
Genome position (GRCh38, 1-based): chr2:171,435,130, T>C. VCF-style: chr2-171435130-T-C. GRCh37 (hg19) VCF-style: chr2-172291640-T-C.
Other names: c.174T>C, p.Pro58= (NM_001164821.2).
Identifiers: ClinVar variation 2651541 (VCV002651541.27), dbSNP rs1693775556, ClinGen allele CA429840361.